The following is an entry in ClinVar:

NM_006031.6(PCNT):c.406G>A (p.Gly136Ser)

Gene: PCNT (pericentrin; plus strand). Cytogenetic location: 21q22.3.
Variant type: single nucleotide variant.
Coding change: c.406G>A on transcript NM_006031.6 (MANE Select); coding-DNA position 406, G replaced by A.
Protein change: p.Gly136Ser; replaces glycine 136 with serine.
Molecular consequence: missense variant.
Genome position (GRCh38, 1-based): chr21:46,334,535, G>A. VCF-style: chr21-46334535-G-A. GRCh37 (hg19) VCF-style: chr21-47754449-G-A.
Other names: c.52G>A, p.Gly18Ser (NM_001315529.2); short protein forms G136S, G18S.
Identifiers: ClinVar variation 518323 (VCV000518323.12), dbSNP rs59183158, ClinGen allele CA10078248.
Genomic context (GRCh38, chr21:46,334,535, plus strand): 5'-CAGTGTGGGATGTTCACAGTCAGTGACCACCCACCAGAACAGCATGGGATGTTCACAGTC[G>A]GTGACCACCCACCAGAACAGCGTGGGATGTTCACAGTCAGTGACCACCCACCAGAACAGC-3'
Protein context (NP_006022.3, residues 126-146): PPEQHGMFTV[Gly136Ser]DHPPEQRGMF

ClinVar aggregate classification (germline): Conflicting classifications of pathogenicity. Review status: criteria provided, conflicting classifications (1 of 4 stars). 7 submissions from 7 submitters: Uncertain significance (3); Likely benign (2). 2 of the submissions do not count toward it. Last evaluated 2025-09-05.

Conditions:
PCNT-related disorder. Also called: PCNT-related condition.
Microcephalic osteodysplastic primordial dwarfism type II (MOPD2). Also called: Microcephalic osteodysplastic primordial dwarfism with tooth abnormalities; OSTEODYSPLASTIC PRIMORDIAL DWARFISM, TYPE II; MOPD II. Identifiers: Orphanet 2637, MedGen C0432246, MONDO:0008872, OMIM 210720.

Allele frequency attached by ClinVar (database versions not stated): gnomAD exomes 0.00002; ExAC 0.00003; gnomAD 0.00008.

Submissions (7):

Women's Health and Genetics/Laboratory Corporation of America, LabCorp
Classification: Uncertain significance. Last evaluated: 2025-09-05. Review status: criteria provided, single submitter. Criteria: LabCorp Variant Classification Summary - May 2015. Collection method: clinical testing. Allele origin: germline.
Comment: Variant summary: PCNT c.406G>A (p.Gly136Ser) results in a non-conservative amino acid change in the encoded protein sequence. Algorithms developed to predict the effect of missense changes on protein structure and function are either unavailable or do not agree on the potential impact of this missense change. The variant allele was found at a frequency of 2.5e-05 in 241924 control chromosomes. The available data on variant occurrences in the general population are insufficient to allow any conclusion about variant significance. To our knowledge, no occurrence of c.406G>A in individuals affected with PCNT-related conditions and no experimental evidence demonstrating its impact on protein function have been reported. ClinVar contains an entry for this variant (Variation ID: 518323). Based on the evidence outlined above, the variant was classified as uncertain significance.

Labcorp Genetics (formerly Invitae), Labcorp
Classification: Uncertain significance. Last evaluated: 2022-07-14. Review status: criteria provided, single submitter. Criteria: Invitae Variant Classification Sherloc (09022015). Collection method: clinical testing. Allele origin: germline.
Comment: This sequence change replaces glycine, which is neutral and non-polar, with serine, which is neutral and polar, at codon 136 of the PCNT protein (p.Gly136Ser). The frequency data for this variant in the population databases is considered unreliable, as metrics indicate poor data quality at this position in the gnomAD database. This variant has not been reported in the literature in individuals affected with PCNT-related conditions. ClinVar contains an entry for this variant (Variation ID: 518323). Algorithms developed to predict the effect of missense changes on protein structure and function output the following: SIFT: "Tolerated"; PolyPhen-2: "Benign"; Align-GVGD: "Class C0". The serine amino acid residue is found in multiple mammalian species, which suggests that this missense change does not adversely affect protein function. In summary, the available evidence is currently insufficient to determine the role of this variant in disease. Therefore, it has been classified as a Variant of Uncertain Significance.

GeneDx
Classification: Likely benign. Last evaluated: 2020-12-14. Review status: criteria provided, single submitter. Criteria: GeneDx Variant Classification Process June 2021. Collection method: clinical testing. Allele origin: germline. Affected: yes.

Illumina Laboratory Services, Illumina
Classification: Uncertain significance for Microcephalic osteodysplastic primordial dwarfism type II. Last evaluated: 2018-01-12. Review status: criteria provided, single submitter. Criteria: ICSL Variant Classification Criteria 13 December 2019. Collection method: clinical testing. Allele origin: germline.

Clinical Genetics DNA and cytogenetics Diagnostics Lab, Erasmus MC, Erasmus Medical Center
Classification: Likely benign for Microcephalic osteodysplastic primordial dwarfism type II. Last evaluated: 2016-10-03. Review status: criteria provided, single submitter. Criteria: ACGS Guidelines, 2013. Collection method: clinical testing. Allele origin: germline. Affected: yes. Study: VKGL Data-share Consensus.

PreventionGenetics, part of Exact Sciences
Classification: Uncertain significance for PCNT-related condition. Last evaluated: 2024-06-05. Review status: no assertion criteria provided. Collection method: clinical testing. Allele origin: germline. Not counted in ClinVar's aggregate classification.
Comment: The PCNT c.406G>A variant is predicted to result in the amino acid substitution p.Gly136Ser. To our knowledge, this variant has not been reported in the literature. This variant is reported in 0.013% of alleles in individuals of South Asian descent in gnomAD. At this time, the clinical significance of this variant is uncertain due to the absence of conclusive functional and genetic evidence.

Diagnostic Laboratory, Department of Genetics, University Medical Center Groningen
Classification: Likely benign for Microcephalic osteodysplastic primordial dwarfism type II. Review status: no assertion criteria provided. Collection method: clinical testing. Allele origin: germline. Affected: yes. Study: VKGL Data-share Consensus. Not counted in ClinVar's aggregate classification.